The following is an entry in ClinVar:

NM_001205293.3(CACNA1E):c.3545G>A (p.Arg1182His)

Gene: CACNA1E (calcium voltage-gated channel subunit alpha1 E; plus strand). Cytogenetic location: 1q25.3.
Variant type: single nucleotide variant.
Coding change: c.3545G>A on transcript NM_001205293.3 (MANE Select); coding-DNA position 3545, G replaced by A.
Protein change: p.Arg1182His; replaces arginine 1182 with histidine.
Molecular consequence: missense variant.
Genome position (GRCh38, 1-based): chr1:181,737,647, G>A. VCF-style: chr1-181737647-G-A. GRCh37 (hg19) VCF-style: chr1-181706783-G-A.
Other names: c.3545G>A, p.Arg1182His (NM_000721.4); c.3488G>A, p.Arg1163His (NM_001205294.2); short protein forms R1163H, R1182H.
Identifiers: ClinVar variation 2092346 (VCV002092346.5), dbSNP rs376174454, ClinGen allele CA1275589.

ClinVar aggregate classification (germline): Uncertain significance. Review status: criteria provided, multiple submitters, no conflicts (2 of 4 stars). 2 submissions from 2 submitters: Uncertain significance (2). Last evaluated 2025-12-03.

Conditions:
Developmental and epileptic encephalopathy. Identifiers: MedGen C5779964, MONDO:0100620.

Allele frequency attached by ClinVar (database versions not stated): gnomAD 0.00001; TOPMed 0.00001; gnomAD exomes 0.00002; ESP Exome Variant Server 0.00008; ExAC 0.00003.
gnomAD v4.1: 30 of 1,613,574 alleles (0.0019%); highest among the groups gnomAD compares: Admixed American, 0.0033%; no homozygotes.

Submissions (2):

Labcorp Genetics (formerly Invitae), Labcorp
Classification: Uncertain significance. Last evaluated: 2025-12-03. Review status: criteria provided, single submitter. Criteria: Invitae Variant Classification Sherloc (09022015). Collection method: clinical testing. Allele origin: germline.
Comment: This sequence change replaces arginine, which is basic and polar, with histidine, which is basic and polar, at codon 1182 of the CACNA1E protein (p.Arg1182His). This variant is present in population databases (rs376174454, gnomAD 0.006%). This variant has not been reported in the literature in individuals affected with CACNA1E-related conditions. ClinVar contains an entry for this variant (Variation ID: 2092346). Invitae Evidence Modeling of protein sequence and biophysical properties (such as structural, functional, and spatial information, amino acid conservation, physicochemical variation, residue mobility, and thermodynamic stability) has been performed for this missense variant. However, the output from this modeling did not meet the statistical confidence thresholds required to predict the impact of this variant on CACNA1E protein function. In summary, the available evidence is currently insufficient to determine the role of this variant in disease. Therefore, it has been classified as a Variant of Uncertain Significance.

Department of Pathology and Laboratory Medicine, Sinai Health System
Classification: Uncertain significance for developmental and epileptic encephalopathy. Last evaluated: 2022-02-25. Review status: criteria provided, single submitter. Criteria: ACMG Guidelines, 2015. Collection method: research. Allele origin: germline.